The following is an entry in ClinVar:

NM_001195248.2(APTX):c.-5+4231dup

Gene: APTX (aprataxin; minus strand). Cytogenetic location: 9p21.1.
Variant type: Duplication.
Coding change: c.-5+4231dup on transcript NM_001195248.2 (MANE Select); 4231 bases into the intron after 5 bases upstream of the start codon, one base duplicated (T; older notation c.-5+4231dupT).
Molecular consequence: intron variant. On other transcripts: 5 prime UTR variant (3).
Genome position (GRCh38, 1-based): chr9:32,997,336, A duplicated on the plus strand (T on the coding strand, the reverse complement: APTX is on the minus strand); the first of 8 consecutive A bases (chr9:32,997,336-32,997,343); duplicating any one gives the same sequence. VCF-style (leftmost placement, unchanged base first): chr9-32997335-T-TA. GRCh37 (hg19) VCF-style: chr9-32997333-T-TA.
Other names: c.-98dup (NM_001195251.2, NM_175073.3); c.-357dup (NM_001369005.1); c.-4-7441dup (NM_001369001.1, NM_001368996.1, NM_001368995.1 and 3 more transcripts); c.-263-7441dup (NM_001369002.1, NM_001369003.1); c.-5+4231dup (NM_001195250.2, NM_001195252.2, NM_175069.3); c.-222+4231dup (NM_001369004.1); c.-264+4231dup (NM_001370669.1, NM_001369006.1); c.-5+4180dup (NM_001195254.2, NM_001368998.1); and 4 more.
Identifiers: ClinVar variation 511014 (VCV000511014.1), dbSNP rs1201940060, ClinGen allele CA587154185.
Genomic context (GRCh38, chr9:32,997,335, plus strand): 5'-GAAGGATTGCTTGAGCCTAGGGGTTCAAGTCCAGCTTGGGCAACACAGCAACACCTCATC[T>TA]AAAAAAAATAAATCTTGTGGAGGAGAAAAACACAAACAATTATGTTAATAGTAGATGTGG-3'

ClinVar aggregate classification (germline): Likely benign (1 of 4 stars; one submission).

Submission:

GeneDx
Classification: Likely benign. Last evaluated: 2017-08-11. Review status: criteria provided, single submitter. Criteria: GeneDx Variant Classification (06012015). Collection method: clinical testing. Allele origin: germline. Affected: yes.
Comment: This variant is considered likely benign or benign based on one or more of the following criteria: it is a conservative change, it occurs at a poorly conserved position in the protein, it is predicted to be benign by multiple in silico algorithms, and/or has population frequency not consistent with disease.